The following is an entry in ClinVar:

NM_004973.4(JARID2):c.31A>C (p.Ile11Leu)

Gene: JARID2 (jumonji and AT-rich interaction domain containing 2; plus strand). Cytogenetic location: 6p22.3.
Variant type: single nucleotide variant.
Coding change: c.31A>C on transcript NM_004973.4 (MANE Select); coding-DNA position 31, A replaced by C.
Protein change: p.Ile11Leu; replaces isoleucine 11 with leucine.
Molecular consequence: missense variant.
Genome position (GRCh38, 1-based): chr6:15,246,570, A>C. VCF-style: chr6-15246570-A-C. GRCh37 (hg19) VCF-style: chr6-15246801-A-C.
Other names: short protein forms I11L.
Identifiers: ClinVar variation 2532222 (VCV002532222.2), dbSNP rs972003183, ClinGen allele CA135232078.

ClinVar aggregate classification (germline): Uncertain significance (1 of 4 stars; one submission).

Conditions:
Inborn genetic diseases. Identifiers: MedGen C0950123, MeSH D030342.

Allele frequency attached by ClinVar (database versions not stated): TOPMed below 0.00001.

Submission:

Ambry Genetics
Classification: Uncertain significance for Inborn genetic diseases. Last evaluated: 2023-05-18. Review status: criteria provided, single submitter. Criteria: Ambry Variant Classification Scheme 2023. Collection method: clinical testing. Allele origin: germline.
Comment: The c.31A>C (p.I11L) alteration is located in exon 1 (coding exon 1) of the JARID2 gene. This alteration results from an A to C substitution at nucleotide position 31, causing the isoleucine (I) at amino acid position 11 to be replaced by a leucine (L). This variant was not reported in population-based cohorts in the Genome Aggregation Database (gnomAD). This amino acid position is highly conserved in available vertebrate species. This alteration is predicted to be tolerated by in silico analysis. Based on insufficient or conflicting evidence, the clinical significance of this alteration remains unclear.